The following is an entry in ClinVar:

ClinVar aggregate classification (germline): Uncertain significance (1 of 4 stars; one submission).

Conditions:
Neurofibromatosis, type 1 (NF1). Also called: VON RECKLINGHAUSEN DISEASE; Neurofibromatosis, type I; NEUROFIBROMATOSIS, TYPE I, SOMATIC; Peripheral type neurofibromatosis. Identifiers: Orphanet 636, MedGen C0027831, MONDO:0018975, OMIM 162200. Disease mechanism: loss of function.

Submission:

Labcorp Genetics (formerly Invitae), Labcorp
Classification: Uncertain significance for Neurofibromatosis, type 1. Last evaluated: 2025-03-25. Review status: criteria provided, single submitter. Criteria: Invitae Variant Classification Sherloc (09022015). Collection method: clinical testing. Allele origin: germline.
Comment: This sequence change replaces serine, which is neutral and polar, with glycine, which is neutral and non-polar, at codon 521 of the NF1 protein (p.Ser521Gly). This variant is not present in population databases (gnomAD no frequency). This variant has not been reported in the literature in individuals affected with NF1-related conditions. Invitae Evidence Modeling of protein sequence and biophysical properties (such as structural, functional, and spatial information, amino acid conservation, physicochemical variation, residue mobility, and thermodynamic stability) has been performed for this missense variant. However, the output from this modeling did not meet the statistical confidence thresholds required to predict the impact of this variant on NF1 protein function. In summary, the available evidence is currently insufficient to determine the role of this variant in disease. Therefore, it has been classified as a Variant of Uncertain Significance.

NM_001042492.3(NF1):c.1561A>G (p.Ser521Gly)

Gene: NF1 (neurofibromin 1; plus strand). Cytogenetic location: 17q11.2.
Variant type: single nucleotide variant.
Coding change: c.1561A>G on transcript NM_001042492.3 (MANE Select); coding-DNA position 1561, A replaced by G.
Protein change: p.Ser521Gly; replaces serine 521 with glycine.
Molecular consequence: missense variant.
Genome position (GRCh38, 1-based): chr17:31,219,038, A>G. VCF-style: chr17-31219038-A-G. GRCh37 (hg19) VCF-style: chr17-29546056-A-G.
Other names: c.1561A>G, p.Ser521Gly (NM_000267.4, NM_001128147.3); short protein forms S521G.
Identifiers: ClinVar variation 4800724 (VCV004800724.1).